The following is an entry in ClinVar:

Single allele

Gene: CLTRN (collectrin, amino acid transport regulator; minus strand). Cytogenetic location: Xp22.2.
Variant type: Deletion.
Identifiers: ClinVar variation 691618 (VCV000691618.3).

ClinVar aggregate classification (germline): Pathogenic (0 of 4 stars; one submission).

Conditions:
Aminoaciduria. Identifiers: MedGen C0238621, HP:0003355.

Submission:

Daryl Scott Lab, Baylor College of Medicine
Classification: Pathogenic for Aminoaciduria. Last evaluated: 2019-09-07. Review status: no assertion criteria provided. Collection method: clinical testing. Allele origin: maternal. Inheritance: X-linked recessive inheritance. Affected: yes. Observed: 1 hemizygote.